The following is an entry in ClinVar:

ClinVar aggregate classification (germline): Uncertain significance. Review status: criteria provided, multiple submitters, no conflicts (2 of 4 stars). 2 submissions from 2 submitters: Uncertain significance (2). Last evaluated 2022-11-23.

Conditions:
Gorlin syndrome. Also called: Nevoid Basal Cell Carcinoma Syndrome; Basal cell nevus syndrome. Identifiers: Orphanet 377, MedGen C0004779, MONDO:0007187.
Hereditary cancer-predisposing syndrome. Also called: Hereditary neoplastic syndrome; Tumor predisposition; Neoplastic Syndromes, Hereditary; Hereditary Cancer Syndrome. Identifiers: Orphanet 140162, MedGen C0027672, MeSH D009386, MONDO:0015356.

Allele frequency attached by ClinVar (database versions not stated): gnomAD exomes below 0.00001.

Submissions (2):

Labcorp Genetics (formerly Invitae), Labcorp
Classification: Uncertain significance for Gorlin syndrome. Last evaluated: 2022-11-23. Review status: criteria provided, single submitter. Criteria: Invitae Variant Classification Sherloc (09022015). Collection method: clinical testing. Allele origin: germline.
Comment: In summary, the available evidence is currently insufficient to determine the role of this variant in disease. Therefore, it has been classified as a Variant of Uncertain Significance. Advanced modeling of protein sequence and biophysical properties (such as structural, functional, and spatial information, amino acid conservation, physicochemical variation, residue mobility, and thermodynamic stability) performed at Invitae indicates that this missense variant is not expected to disrupt PTCH1 protein function. This variant has not been reported in the literature in individuals affected with PTCH1-related conditions. This variant is not present in population databases (gnomAD no frequency). This sequence change replaces histidine, which is basic and polar, with glutamine, which is neutral and polar, at codon 51 of the PTCH1 protein (p.His51Gln).

Ambry Genetics
Classification: Uncertain significance for Hereditary cancer-predisposing syndrome. Last evaluated: 2022-11-16. Review status: criteria provided, single submitter. Criteria: Ambry Variant Classification Scheme 2023. Collection method: clinical testing. Allele origin: germline.
Comment: The p.H51Q variant (also known as c.153C>A), located in coding exon 1 of the PTCH1 gene, results from a C to A substitution at nucleotide position 153. The histidine at codon 51 is replaced by glutamine, an amino acid with highly similar properties. This amino acid position is not well conserved in available vertebrate species, and glutamine is the reference amino acid in other vertebrate species. In addition, this alteration is predicted to be tolerated by in silico analysis. Since supporting evidence is limited at this time, the clinical significance of this alteration remains unclear.

NM_000264.5(PTCH1):c.153C>A (p.His51Gln)

Genes: PTCH1 (patched 1; minus strand), LOC130002133 (ATAC-STARR-seq lymphoblastoid silent region 20071; plus strand). Cytogenetic location: 9q22.32.
Variant type: single nucleotide variant.
Coding change: c.153C>A on transcript NM_000264.5 (MANE Select); coding-DNA position 153, C replaced by A.
Protein change: p.His51Gln; replaces histidine 51 with glutamine.
Molecular consequence: missense variant. On other transcripts: non-coding transcript variant (1), intron variant (3).
Genome position (GRCh38, 1-based): chr9:95,508,209, G>T on the plus strand (C>A on the coding strand, the complement: PTCH1 is on the minus strand). VCF-style: chr9-95508209-G-T. GRCh37 (hg19) VCF-style: chr9-98270491-G-T.
Other names: c.153C>A, p.His51Gln (NM_001354918.2); c.199-1610C>A (NM_001083603.3); c.4-1610C>A (NM_001083602.3, NM_001354919.2); short protein forms H51Q.
Identifiers: ClinVar variation 2452323 (VCV002452323.5), dbSNP rs1587700385, ClinGen allele CA374121341.